The following is an entry in ClinVar:

NM_000260.4(MYO7A):c.3449A>G (p.Asn1150Ser)

Gene: MYO7A (myosin VIIA; plus strand). Cytogenetic location: 11q13.5.
Variant type: single nucleotide variant.
Coding change: c.3449A>G on transcript NM_000260.4 (MANE Select); coding-DNA position 3449, A replaced by G.
Protein change: p.Asn1150Ser; replaces asparagine 1150 with serine.
Molecular consequence: missense variant.
Genome position (GRCh38, 1-based): chr11:77,184,661, A>G. VCF-style: chr11-77184661-A-G. GRCh37 (hg19) VCF-style: chr11-76895706-A-G.
Other names: c.3449A>G, p.Asn1150Ser (NM_001127180.2); c.3416A>G, p.Asn1139Ser (NM_001369365.1); short protein forms N1139S, N1150S.
Identifiers: ClinVar variation 991559 (VCV000991559.6), dbSNP rs1555087199, ClinGen allele CA381946083.

ClinVar aggregate classification (germline): Uncertain significance. Review status: criteria provided, single submitter (1 of 4 stars). 2 submissions from 2 submitters: Uncertain significance (1). 1 of the submissions does not count toward it. Last evaluated 2022-09-03.

Conditions:
Usher syndrome type 1B (USH1B). Also called: Usher syndrome type IB. Identifiers: MedGen C1848638, MONDO:0700087.

Allele frequency attached by ClinVar (database versions not stated): gnomAD exomes below 0.00001 and 0.00001; gnomAD 0.00001; TOPMed 0.00001.
gnomAD v4.1: 3 of 1,594,030 alleles (0.00019%); highest among the groups gnomAD compares: African/African-American, 0.0027%; no homozygotes.

Submissions (2):

Labcorp Genetics (formerly Invitae), Labcorp
Classification: Uncertain significance. Last evaluated: 2022-09-03. Review status: criteria provided, single submitter. Criteria: Invitae Variant Classification Sherloc (09022015). Collection method: clinical testing. Allele origin: germline.
Comment: In summary, the available evidence is currently insufficient to determine the role of this variant in disease. Therefore, it has been classified as a Variant of Uncertain Significance. Advanced modeling of protein sequence and biophysical properties (such as structural, functional, and spatial information, amino acid conservation, physicochemical variation, residue mobility, and thermodynamic stability) performed at Invitae indicates that this missense variant is not expected to disrupt MYO7A protein function. ClinVar contains an entry for this variant (Variation ID: 991559). This variant has not been reported in the literature in individuals affected with MYO7A-related conditions. This variant is present in population databases (no rsID available, gnomAD 0.008%). This sequence change replaces asparagine, which is neutral and polar, with serine, which is neutral and polar, at codon 1150 of the MYO7A protein (p.Asn1150Ser).

Natera, Inc.
Classification: Uncertain significance for Usher syndrome type 1B. Last evaluated: 2020-04-16. Review status: no assertion criteria provided. Collection method: clinical testing. Allele origin: germline. Not counted in ClinVar's aggregate classification.